The following is an entry in ClinVar:

ClinVar aggregate classification (germline): Uncertain significance (1 of 4 stars; one submission).

Allele frequency attached by ClinVar (database versions not stated): TOPMed below 0.00001.
gnomAD v4.1: 6 of 1,613,810 alleles (0.00037%); highest among the groups gnomAD compares: Admixed American, 0.0083%; no homozygotes.

Submission:

Labcorp Genetics (formerly Invitae), Labcorp
Classification: Uncertain significance. Last evaluated: 2024-10-24. Review status: criteria provided, single submitter. Criteria: Invitae Variant Classification Sherloc (09022015). Collection method: clinical testing. Allele origin: germline.
Comment: This sequence change replaces phenylalanine, which is neutral and non-polar, with leucine, which is neutral and non-polar, at codon 792 of the ZDBF2 protein (p.Phe792Leu). This variant is present in population databases (no rsID available, gnomAD 0.01%). This variant has not been reported in the literature in individuals affected with ZDBF2-related conditions. An algorithm developed to predict the effect of missense changes on protein structure and function (PolyPhen-2) suggests that this variant is likely to be disruptive. In summary, the available evidence is currently insufficient to determine the role of this variant in disease. Therefore, it has been classified as a Variant of Uncertain Significance.

NM_020923.3(ZDBF2):c.2376T>A (p.Phe792Leu)

Gene: ZDBF2 (zinc finger DBF-type containing 2; plus strand). Cytogenetic location: 2q33.3.
Variant type: single nucleotide variant.
Coding change: c.2376T>A on transcript NM_020923.3 (MANE Select); coding-DNA position 2376, T replaced by A.
Protein change: p.Phe792Leu; replaces phenylalanine 792 with leucine.
Molecular consequence: missense variant.
Genome position (GRCh38, 1-based): chr2:206,306,904, T>A. VCF-style: chr2-206306904-T-A. GRCh37 (hg19) VCF-style: chr2-207171628-T-A.
Other names: c.2370T>A, p.Phe790Leu (NM_001285549.2); c.2376T>A, p.Phe792Leu (NM_001369654.1); short protein forms F790L, F792L.
Identifiers: ClinVar variation 2904149 (VCV002904149.3), dbSNP rs1002958346, ClinGen allele CA63660271.